The following is an entry in ClinVar:

NM_001365536.1(SCN9A):c.1528del (p.Arg510fs)

Genes: SCN1A-AS1 (SCN1A and SCN9A antisense RNA 1; plus strand), SCN9A (sodium voltage-gated channel alpha subunit 9; minus strand). Cytogenetic location: 2q24.3.
Variant type: Deletion.
Coding change: c.1528del on transcript NM_001365536.1 (MANE Select); coding-DNA position 1528, one base deleted (A; older notation c.1528delA).
Protein change: p.Arg510fs; shifts the reading frame from arginine 510.
Molecular consequence: frameshift variant.
Genome position (GRCh38, 1-based): chr2:166,286,410, T deleted on the plus strand (A on the coding strand, the reverse complement: SCN9A is on the minus strand). VCF-style (leftmost placement, unchanged base first): chr2-166286409-CT-C. GRCh37 (hg19) VCF-style: chr2-167142919-CT-C.
Other names: c.1528delA, p.Arg510Glufs (NM_002977.4); short protein forms R510fs.
Identifiers: ClinVar variation 2148736 (VCV002148736.3), dbSNP rs2468039852, ClinGen allele CA2530068884.
Genomic context (GRCh38, chr2:166,286,409, plus strand): 5'-GACAACCTCTTTTCATGTGCTCGCCTATGCCCTTCGACACCAAGGTGGAAACTTTTTCTT[CT>C]GATGCTGTCCTCTGATTCTGATTTCGACAATTTCTCAGCATCTCCCTTTTCCTCTCCACT-3'

ClinVar aggregate classification (germline): Pathogenic (1 of 4 stars; one submission).

Conditions:
Primary erythromelalgia. Also called: SCN9A Erythromelalgia (SCN9A-EM); primary erythermalgia. Identifiers: Orphanet 306577, Orphanet 90026, MedGen C0014805, MONDO:0007571, OMIM 133020.
Neuropathy, hereditary sensory and autonomic, type 2A (HSAN2A). Also called: WNK1-Related HSAN2 (HSAN2A); HSAN IIA; ACROOSTEOLYSIS, GIACCAI TYPE; ACROOSTEOLYSIS, NEUROGENIC; MORVAN DISEASE; NEUROPATHY, CONGENITAL SENSORY. Identifiers: Orphanet 970, MedGen C2752089, MONDO:0024309, OMIM 201300.
Paroxysmal extreme pain disorder (PEXPD). Also called: SCN9A Paroxysmal Extreme Pain Disorder (SCN9A-PEPD); PAIN, SUBMANDIBULAR, OCULAR, AND RECTAL, WITH FLUSHING; RECTAL PAIN, FAMILIAL. Identifiers: Orphanet 46348, MedGen C1833661, MONDO:0008179, OMIM 167400.
Generalized epilepsy with febrile seizures plus, type 7 (GEFSP7). Also called: GEFS+, TYPE 7. Identifiers: Orphanet 36387, MedGen C2751778, MONDO:0013470, OMIM 613863.
Channelopathy-associated congenital insensitivity to pain, autosomal recessive. Also called: Insensitivity to pain, channelopathy-associated; ASYMBOLIA FOR PAIN; CONGENITAL ANALGESIA, AUTOSOMAL RECESSIVE. Identifiers: Orphanet 88642, Orphanet 970, MedGen C1855739, MONDO:0009459, OMIM 243000.

Submission:

Labcorp Genetics (formerly Invitae), Labcorp
Classification: Pathogenic for Neuropathy, hereditary sensory and autonomic, type 2A; Generalized epilepsy with febrile seizures plus, type 7. Last evaluated: 2024-01-02. Review status: criteria provided, single submitter. Criteria: Invitae Variant Classification Sherloc (09022015). Collection method: clinical testing. Allele origin: germline.
Comment: This sequence change creates a premature translational stop signal (p.Arg510Glufs*55) in the SCN9A gene. It is expected to result in an absent or disrupted protein product. Loss-of-function variants in SCN9A are known to be pathogenic (PMID: 17470132, 19304393). This variant is not present in population databases (gnomAD no frequency). This variant has not been reported in the literature in individuals affected with SCN9A-related conditions. ClinVar contains an entry for this variant (Variation ID: 2148736). For these reasons, this variant has been classified as Pathogenic.

Literature cited by the submitters: PubMed 17470132 (cited by Labcorp Genetics (formerly Invitae), Labcorp); PubMed 19304393 (cited by Labcorp Genetics (formerly Invitae), Labcorp).